The following is an entry in ClinVar:

ClinVar aggregate classification (germline): Likely benign (1 of 4 stars; one submission).

Allele frequency attached by ClinVar (database versions not stated): gnomAD exomes 0.00003 and 0.00004; gnomAD 0.00006; ExAC 0.00008; TOPMed 0.00008; ESP Exome Variant Server 0.00023.
gnomAD v4.1: 29 of 1,613,762 alleles (0.0018%); highest among the groups gnomAD compares: African/African-American, 0.013%; no homozygotes.

Submission:

Laboratory for Molecular Medicine, Mass General Brigham Personalized Medicine
Classification: Likely benign. Last evaluated: 2012-04-30. Review status: criteria provided, single submitter. Criteria: LMM Criteria. Collection method: clinical testing. Allele origin: germline. Observed: 1 variant allele.
Comment: Tyr1105Tyr in Exon 10 of TECTA: This variant is not expected to have clinical si gnificance because it does not alter an amino acid residue, is not located withi n the splice consensus sequence, and has been identified in 0.1% (4/3738) of Afr ican American chromosomes from a broad population by the NHLBI Exome Sequencing Project (dbSNP rs142573400).

NM_005422.4(TECTA):c.3315C>T (p.Tyr1105=)

Genes: TBCEL-TECTA (TBCEL-TECTA readthrough; plus strand), TECTA (tectorin alpha; plus strand). Cytogenetic location: 11q23.3.
Variant type: single nucleotide variant.
Coding change: c.3315C>T on transcript NM_005422.4 (MANE Select); coding-DNA position 3315, C replaced by T.
Protein change: p.Tyr1105=; no amino-acid change (tyrosine 1105 retained).
Molecular consequence: synonymous variant.
Genome position (GRCh38, 1-based): chr11:121,137,794, C>T. VCF-style: chr11-121137794-C-T. GRCh37 (hg19) VCF-style: chr11-121008503-C-T.
Other names: c.4272C>T, p.Tyr1424= (NM_001378761.1).
Identifiers: ClinVar variation 227997 (VCV000227997.5), dbSNP rs142573400, ClinGen allele CA6327188.